The following is an entry in ClinVar:

ClinVar aggregate classification (germline): Uncertain significance. Review status: criteria provided, multiple submitters, no conflicts (2 of 4 stars). 2 submissions from 2 submitters: Uncertain significance (2). Last evaluated 2024-04-29.

Conditions:
Long QT syndrome (LQTS). Identifiers: MedGen C0023976, MeSH D008133, MONDO:0002442. Disease mechanism: loss of function. Inheritance: Various modes of inheritance.

Submissions (2):

GeneDx
Classification: Uncertain significance. Last evaluated: 2024-04-29. Review status: criteria provided, single submitter. Criteria: GeneDx Variant Classification Process June 2021. Collection method: clinical testing. Allele origin: germline. Affected: yes.
Comment: Not observed at significant frequency in large population cohorts (gnomAD); In silico analysis supports that this missense variant has a deleterious effect on protein structure/function; Has not been previously published as pathogenic or benign to our knowledge

Labcorp Genetics (formerly Invitae), Labcorp
Classification: Uncertain significance for Long QT syndrome. Last evaluated: 2022-11-07. Review status: criteria provided, single submitter. Criteria: Invitae Variant Classification Sherloc (09022015). Collection method: clinical testing. Allele origin: germline.
Comment: In summary, the available evidence is currently insufficient to determine the role of this variant in disease. Therefore, it has been classified as a Variant of Uncertain Significance. Algorithms developed to predict the effect of missense changes on protein structure and function (SIFT, PolyPhen-2, Align-GVGD) all suggest that this variant is likely to be disruptive. This variant has not been reported in the literature in individuals affected with KCNH2-related conditions. This variant is not present in population databases (gnomAD no frequency). This sequence change replaces tyrosine, which is neutral and polar, with serine, which is neutral and polar, at codon 420 of the KCNH2 protein (p.Tyr420Ser).

NM_000238.4(KCNH2):c.1259A>C (p.Tyr420Ser)

Gene: KCNH2 (potassium voltage-gated channel subfamily H member 2; minus strand). Cytogenetic location: 7q36.1.
Variant type: single nucleotide variant.
Coding change: c.1259A>C on transcript NM_000238.4 (MANE Select); coding-DNA position 1259, A replaced by C.
Protein change: p.Tyr420Ser; replaces tyrosine 420 with serine.
Molecular consequence: missense variant.
Genome position (GRCh38, 1-based): chr7:150,952,723, T>G on the plus strand (A>C on the coding strand, the complement: KCNH2 is on the minus strand). VCF-style: chr7-150952723-T-G. GRCh37 (hg19) VCF-style: chr7-150649811-T-G.
Other names: c.239A>C, p.Tyr80Ser (NM_001204798.2, NM_172057.3); c.971A>C, p.Tyr324Ser (NM_001406753.1, NM_001406756.1); c.1082A>C, p.Tyr361Ser (NM_001406755.1); c.959A>C, p.Tyr320Ser (NM_001406757.1); c.1259A>C, p.Tyr420Ser (NM_172056.3); c.1259A>C (NM_000238.2); short protein forms Y80S, Y320S, Y324S, Y361S, Y420S.
Identifiers: ClinVar variation 2008771 (VCV002008771.5), dbSNP rs199473507, ClinGen allele CA369860107.